The following is an entry in ClinVar:

ClinVar aggregate classification (germline): Uncertain significance (1 of 4 stars; one submission).

Submission:

Labcorp Genetics (formerly Invitae), Labcorp
Classification: Uncertain significance. Last evaluated: 2024-03-25. Review status: criteria provided, single submitter. Criteria: Invitae Variant Classification Sherloc (09022015). Collection method: clinical testing. Allele origin: germline.
Comment: This sequence change replaces proline, which is neutral and non-polar, with serine, which is neutral and polar, at codon 300 of the OPN1SW protein (p.Pro300Ser). This variant is present in population databases (no rsID available, gnomAD 0.007%). This variant has not been reported in the literature in individuals affected with OPN1SW-related conditions. An algorithm developed to predict the effect of missense changes on protein structure and function (PolyPhen-2) suggests that this variant is likely to be disruptive. In summary, the available evidence is currently insufficient to determine the role of this variant in disease. Therefore, it has been classified as a Variant of Uncertain Significance.

NM_001385125.1(OPN1SW):c.889C>T (p.Pro297Ser)

Gene: OPN1SW (opsin 1, short wave sensitive; minus strand). Cytogenetic location: 7q32.1.
Variant type: single nucleotide variant.
Coding change: c.889C>T on transcript NM_001385125.1 (MANE Select); coding-DNA position 889, C replaced by T.
Protein change: p.Pro297Ser; replaces proline 297 with serine.
Molecular consequence: missense variant.
Genome position (GRCh38, 1-based): chr7:128,773,678, G>A on the plus strand (C>T on the coding strand, the complement: OPN1SW is on the minus strand). VCF-style: chr7-128773678-G-A. GRCh37 (hg19) VCF-style: chr7-128413732-G-A.
Other names: short protein forms P297S.
Identifiers: ClinVar variation 3708660 (VCV003708660.2).